The following is an entry in ClinVar:

NM_000334.4(SCN4A):c.461C>T (p.Pro154Leu)

Gene: SCN4A (sodium voltage-gated channel alpha subunit 4; minus strand). Cytogenetic location: 17q23.3.
Variant type: single nucleotide variant.
Coding change: c.461C>T on transcript NM_000334.4 (MANE Select); coding-DNA position 461, C replaced by T.
Protein change: p.Pro154Leu; replaces proline 154 with leucine.
Molecular consequence: missense variant.
Genome position (GRCh38, 1-based): chr17:63,972,157, G>A on the plus strand (C>T on the coding strand, the complement: SCN4A is on the minus strand). VCF-style: chr17-63972157-G-A. GRCh37 (hg19) VCF-style: chr17-62049517-G-A.
Other names: short protein forms P154L.
Identifiers: ClinVar variation 1515738 (VCV001515738.6), dbSNP rs2144814296, ClinGen allele CA400639496.
Genomic context (GRCh38, chr17:63,972,157, plus strand): 5'-GTCCCAGGGCTGGGGAGCTCAGGGAGCAGGGAGACTTACTCCACATTCTTGGACCAGGGA[G>A]GCGGGTCACTCATGGTCATGAATACGCAGTTGGTCAAGATGGTGATCATGATGAACATGC-3'
Protein context (NP_000325.4, residues 144-164): NCVFMTMSDP[Pro154Leu]PWSKNVEYTF

ClinVar aggregate classification (germline): Uncertain significance (1 of 4 stars; one submission).

Conditions:
Hyperkalemic periodic paralysis. Also called: Familial hyperkalemic periodic paralysis; Gamstorp disease. Identifiers: Orphanet 682, MedGen C0238357, MONDO:0008224, OMIM 170500, HP:0007215.

Allele frequency attached by ClinVar (database versions not stated): gnomAD exomes below 0.00001.
gnomAD v4.1: 1 of 1,613,256 alleles (0.000062%); highest among the groups gnomAD compares: Non-Finnish European, 0.000085%; no homozygotes.

Submission:

Labcorp Genetics (formerly Invitae), Labcorp
Classification: Uncertain significance for Hyperkalemic periodic paralysis. Last evaluated: 2021-08-27. Review status: criteria provided, single submitter. Criteria: Invitae Variant Classification Sherloc (09022015). Collection method: clinical testing. Allele origin: germline.
Comment: This variant is not present in population databases (ExAC no frequency). In summary, the available evidence is currently insufficient to determine the role of this variant in disease. Therefore, it has been classified as a Variant of Uncertain Significance. Algorithms developed to predict the effect of missense changes on protein structure and function are either unavailable or do not agree on the potential impact of this missense change (SIFT: "Deleterious"; PolyPhen-2: "Benign"; Align-GVGD: "Class C65"). This variant has not been reported in the literature in individuals affected with SCN4A-related conditions. This sequence change replaces proline with leucine at codon 154 of the SCN4A protein (p.Pro154Leu). The proline residue is highly conserved and there is a moderate physicochemical difference between proline and leucine.